The following is an entry in ClinVar:

ClinVar aggregate classification (germline): Uncertain significance. Review status: criteria provided, multiple submitters, no conflicts (2 of 4 stars). 2 submissions from 2 submitters: Uncertain significance (2). Last evaluated 2023-04-28.

Conditions:
Inborn genetic diseases. Identifiers: MedGen C0950123, MeSH D030342.

Allele frequency attached by ClinVar (database versions not stated): TOPMed below 0.00001; gnomAD 0.00001; gnomAD exomes 0.00001 and 0.00004; ExAC 0.00002; 1000 Genomes Project 0.00020; 1000 Genomes Project 30x 0.00031.
gnomAD v4.1: 7 of 1,614,188 alleles (0.00043%); highest among the groups gnomAD compares: East Asian, 0.016%; no homozygotes.

Submissions (2):

Ambry Genetics
Classification: Uncertain significance for Inborn genetic diseases. Last evaluated: 2023-04-28. Review status: criteria provided, single submitter. Criteria: Ambry Variant Classification Scheme 2023. Collection method: clinical testing. Allele origin: germline.
Comment: Unlikely to be causative of SETX-related juvenile amyotrophic lateral sclerosis (AD) Based on insufficient or conflicting evidence, the clinical significance of this alteration remains unclear.

Athena Diagnostics
Classification: Uncertain significance. Last evaluated: 2020-07-15. Review status: criteria provided, single submitter. Criteria: Athena Diagnostics Criteria. Collection method: clinical testing. Allele origin: unknown.

NM_015046.7(SETX):c.4202G>T (p.Gly1401Val)

Gene: SETX (senataxin; minus strand). Cytogenetic location: 9q34.13.
Variant type: single nucleotide variant.
Coding change: c.4202G>T on transcript NM_015046.7 (MANE Select); coding-DNA position 4202, G replaced by T.
Protein change: p.Gly1401Val; replaces glycine 1401 with valine.
Molecular consequence: missense variant.
Genome position (GRCh38, 1-based): chr9:132,327,396, C>A on the plus strand (G>T on the coding strand, the complement: SETX is on the minus strand). VCF-style: chr9-132327396-C-A. GRCh37 (hg19) VCF-style: chr9-135202783-C-A.
Other names: c.4202G>T, p.Gly1401Val (NM_001351527.2, NM_001351528.2); short protein forms G1401V.
Identifiers: ClinVar variation 994754 (VCV000994754.3), dbSNP rs185868357, ClinGen allele CA5297248.
Genomic context (GRCh38, chr9:132,327,396, plus strand): 5'-GGTTCAGAAGGCATGCATTTTATTAACTGTTTTCTGTTACTGTTGGCAAGTACCTCAGTT[C>A]CTCCTGTACAATTATAATCTGACCTATCAGATTCTGGTACAAATATGTCAGAATTCTGTG-3'
Protein context (NP_055861.3, residues 1391-1411): SDRSDYNCTG[Gly1401Val]TEVLANSNRK